The following is an entry in ClinVar:

ClinVar aggregate classification (germline): Conflicting classifications of pathogenicity. Review status: criteria provided, conflicting classifications (1 of 4 stars). 2 submissions from 2 submitters: Uncertain significance (1); Likely benign (1). Last evaluated 2026-02-16.

Conditions:
Brugada syndrome. Also called: Sudden unexplained nocturnal death syndrome; Sudden unexpected nocturnal death syndrome; Sudden Unexplained Death Syndrome; Sudden Unexplained Nocturnal Death Syndrome (SUNDS). Identifiers: Orphanet 130, MedGen C1142166, MONDO:0015263.
Cardiovascular phenotype. Identifiers: MedGen CN230736.

Allele frequency attached by ClinVar (database versions not stated): gnomAD exomes below 0.00001; ExAC 0.00001; gnomAD 0.00001; TOPMed 0.00001.
gnomAD v4.1: 5 of 1,582,934 alleles (0.00032%); highest among the groups gnomAD compares: Non-Finnish European, 0.00043%; no homozygotes.

Submissions (2):

Ambry Genetics
Classification: Likely benign for Cardiovascular phenotype. Last evaluated: 2026-02-16. Review status: criteria provided, single submitter. Criteria: Ambry Variant Classification Scheme 2023. Collection method: clinical testing. Allele origin: germline.

Labcorp Genetics (formerly Invitae), Labcorp
Classification: Uncertain significance for Brugada syndrome. Last evaluated: 2021-09-24. Review status: criteria provided, single submitter. Criteria: Invitae Variant Classification Sherloc (09022015). Collection method: clinical testing. Allele origin: germline.
Comment: This sequence change replaces arginine with serine at codon 1038 of the SCN10A protein (p.Arg1038Ser). The arginine residue is weakly conserved and there is a moderate physicochemical difference between arginine and serine. This variant is present in population databases (rs773394234, ExAC 0.002%). This variant has not been reported in the literature in individuals with SCN10A-related conditions. ClinVar contains an entry for this variant (Variation ID: 809460). Advanced modeling of protein sequence and biophysical properties (such as structural, functional, and spatial information, amino acid conservation, physicochemical variation, residue mobility, and thermodynamic stability) performed at Invitae indicates that this missense variant is not expected to disrupt SCN10A protein function. In summary, the available evidence is currently insufficient to determine the role of this variant in disease. Therefore, it has been classified as a Variant of Uncertain Significance.

NM_006514.4(SCN10A):c.3114G>T (p.Arg1038Ser)

Genes: SCN10A (sodium voltage-gated channel alpha subunit 10; minus strand), LOC110121288 (VISTA enhancer hs2268; plus strand). Cytogenetic location: 3p22.2.
Variant type: single nucleotide variant.
Coding change: c.3114G>T on transcript NM_006514.4 (MANE Select); coding-DNA position 3114, G replaced by T.
Protein change: p.Arg1038Ser; replaces arginine 1038 with serine.
Molecular consequence: missense variant.
Genome position (GRCh38, 1-based): chr3:38,725,288, C>A on the plus strand (G>T on the coding strand, the complement: SCN10A is on the minus strand). VCF-style: chr3-38725288-C-A. GRCh37 (hg19) VCF-style: chr3-38766779-C-A.
Other names: c.3111G>T, p.Arg1037Ser (NM_001293306.2); c.2820G>T, p.Arg940Ser (NM_001293307.2); c.3114G>T (NM_006514.2); short protein forms R1037S, R940S, R1038S.
Identifiers: ClinVar variation 809460 (VCV000809460.17), dbSNP rs773394234, ClinGen allele CA2320348.
Genomic context (GRCh38, chr3:38,725,288, plus strand): 5'-AGCCAGGTCCTCAGAAGATGTTCCAGTGCCTGGGCTCCTGGGTGTCAGGTGGTCCCCACA[C>A]CTCTCGACTTGCTGCAGCTGCTCCTGCTAGTGAGAGAGGGTCCCAACTGGGTGCCTGGCC-3'
Protein context (NP_006505.4, residues 1028-1048): GQQEQLQQVE[Arg1038Ser]CGDHLTPRSP